The following is an entry in ClinVar:

ClinVar aggregate classification (germline): Uncertain significance. Review status: criteria provided, multiple submitters, no conflicts (2 of 4 stars). 6 submissions from 6 submitters: Uncertain significance (4). 2 of the submissions do not count toward it. Last evaluated 2025-06-03.

Conditions:
PEX10-related disorder. Also called: PEX10-related condition.
Zellweger spectrum disorders (ZS). Also called: Zellweger Spectrum Disorder; Zellweger Spectrum; Zellweger syndrome; Zellweger Spectrum Disorder (ZSD). Identifiers: Orphanet 912, MedGen C0043459, MONDO:0019609.
Inborn genetic diseases. Identifiers: MedGen C0950123, MeSH D030342.
Peroxisome biogenesis disorder, complementation group 7 (CG7). Also called: Peroxisome biogenesis disorder, complementation group B. Identifiers: MedGen C1864399.

Allele frequency attached by ClinVar (database versions not stated): gnomAD 0.00006 and 0.00007; ExAC 0.00008; TOPMed 0.00008; gnomAD exomes 0.00010 and 0.00012.
gnomAD v4.1: 180 of 1,613,286 alleles (0.011%); highest among the groups gnomAD compares: South Asian, 0.026%; no homozygotes.

Submissions (6):

Ambry Genetics
Classification: Uncertain significance for Inborn genetic diseases. Last evaluated: 2025-06-03. Review status: criteria provided, single submitter. Criteria: Ambry Variant Classification Scheme 2023. Collection method: clinical testing. Allele origin: germline.

GeneDx
Classification: Uncertain significance. Last evaluated: 2023-06-20. Review status: criteria provided, single submitter. Criteria: GeneDx Variant Classification Process June 2021. Collection method: clinical testing. Allele origin: germline. Affected: yes.
Comment: In silico analysis supports that this missense variant has a deleterious effect on protein structure/function; Has not been previously published as pathogenic or benign to our knowledge

Labcorp Genetics (formerly Invitae), Labcorp
Classification: Uncertain significance for Peroxisome biogenesis disorder, complementation group 7. Last evaluated: 2022-09-01. Review status: criteria provided, single submitter. Criteria: Invitae Variant Classification Sherloc (09022015). Collection method: clinical testing. Allele origin: germline.
Comment: This sequence change replaces arginine, which is basic and polar, with histidine, which is basic and polar, at codon 300 of the PEX10 protein (p.Arg300His). This variant is present in population databases (rs758678654, gnomAD 0.04%). This variant has not been reported in the literature in individuals affected with PEX10-related conditions. ClinVar contains an entry for this variant (Variation ID: 497613). Algorithms developed to predict the effect of missense changes on protein structure and function are either unavailable or do not agree on the potential impact of this missense change (SIFT: "Deleterious"; PolyPhen-2: "Probably Damaging"; Align-GVGD: "Class C0"). In summary, the available evidence is currently insufficient to determine the role of this variant in disease. Therefore, it has been classified as a Variant of Uncertain Significance.

Eurofins Ntd Llc (ga)
Classification: Uncertain significance. Last evaluated: 2017-07-19. Review status: criteria provided, single submitter. Criteria: EGL Classification Definitions 2015. Collection method: clinical testing. Allele origin: germline. Observed: 2 variant alleles, 2 heterozygotes.

PreventionGenetics, part of Exact Sciences
Classification: Uncertain significance for PEX10-related condition. Last evaluated: 2024-03-09. Review status: no assertion criteria provided. Collection method: clinical testing. Allele origin: germline. Not counted in ClinVar's aggregate classification.
Comment: The PEX10 c.899G>A variant is predicted to result in the amino acid substitution p.Arg300His. To our knowledge, this variant has not been reported in the literature. This variant is reported in 0.037% of alleles in individuals of Latino descent in gnomAD. At this time, the clinical significance of this variant is uncertain due to the absence of conclusive functional and genetic evidence.

Natera, Inc.
Classification: Uncertain significance for Zellweger syndrome. Last evaluated: 2019-10-28. Review status: no assertion criteria provided. Collection method: clinical testing. Allele origin: germline. Not counted in ClinVar's aggregate classification.

NM_002617.4(PEX10):c.839G>A (p.Arg280His)

Gene: PEX10 (peroxisomal biogenesis factor 10; minus strand). Cytogenetic location: 1p36.32.
Variant type: single nucleotide variant.
Coding change: c.839G>A on transcript NM_002617.4 (MANE Select); coding-DNA position 839, G replaced by A.
Protein change: p.Arg280His; replaces arginine 280 with histidine.
Molecular consequence: missense variant. On other transcripts: non-coding transcript variant (1).
Genome position (GRCh38, 1-based): chr1:2,406,557, C>T on the plus strand (G>A on the coding strand, the complement: PEX10 is on the minus strand). VCF-style: chr1-2406557-C-T. GRCh37 (hg19) VCF-style: chr1-2337996-C-T.
Other names: c.896G>A, p.Arg299His (NM_001374425.1); c.464G>A, p.Arg155His (NM_001374426.1); c.407G>A, p.Arg136His (NM_001374427.1); c.899G>A, p.Arg300His (NM_153818.2); short protein forms R300H, R280H, R136H, R155H, R299H.
Identifiers: ClinVar variation 497613 (VCV000497613.14), dbSNP rs758678654, ClinGen allele CA537997.